The following is an entry in ClinVar:

NM_012281.3(KCND2):c.361_362delinsGC (p.Phe121Ala)

Gene: KCND2 (potassium voltage-gated channel subfamily D member 2; plus strand). Cytogenetic location: 7q31.31.
Variant type: Indel.
Coding change: c.361_362delinsGC on transcript NM_012281.3 (MANE Select); coding-DNA positions 361 to 362, TT replaced by GC.
Protein change: p.Phe121Ala; replaces phenylalanine 121 with alanine.
Molecular consequence: missense variant.
Genome position (GRCh38, 1-based): chr7:120,274,993-120,274,994, TT replaced by GC. VCF-style: chr7-120274993-TT-GC. GRCh37 (hg19) VCF-style: chr7-119915047-TT-GC.
Other names: short protein forms F121A.
Identifiers: ClinVar variation 2901387 (VCV002901387.3), dbSNP rs2546907106, ClinGen allele CA2739278832.

ClinVar aggregate classification (germline): Uncertain significance (1 of 4 stars; one submission).

Conditions:
Early Myoclonic Encephalopathy. Identifiers: MedGen C0270855.

Submission:

Labcorp Genetics (formerly Invitae), Labcorp
Classification: Uncertain significance for Early Myoclonic Encephalopathy. Last evaluated: 2023-07-25. Review status: criteria provided, single submitter. Criteria: Invitae Variant Classification Sherloc (09022015). Collection method: clinical testing. Allele origin: germline.
Comment: This variant is present in population databases (no rsID available, gnomAD 0.0008%). This sequence change replaces phenylalanine, which is neutral and non-polar, with alanine, which is neutral and non-polar, at codon 121 of the KCND2 protein (p.Phe121Ala). In summary, the available evidence is currently insufficient to determine the role of this variant in disease. Therefore, it has been classified as a Variant of Uncertain Significance. An algorithm developed to predict the effect of missense changes on protein structure and function (PolyPhen-2) suggests that this variant is likely to be disruptive. This variant has not been reported in the literature in individuals affected with KCND2-related conditions.